The following is an entry in ClinVar:

NM_001352913.2(PPP2R5C):c.260-24965G>A

Gene: PPP2R5C (protein phosphatase 2 regulatory subunit B'gamma; plus strand). Cytogenetic location: 14q32.31.
Variant type: single nucleotide variant.
Coding change: c.260-24965G>A on transcript NM_001352913.2 (MANE Select); 24965 bases into the intron before coding-DNA position 260, G replaced by A.
Molecular consequence: intron variant. On other transcripts: 5 prime UTR variant (1).
Genome position (GRCh38, 1-based): chr14:101,831,721, G>A. VCF-style: chr14-101831721-G-A. GRCh37 (hg19) VCF-style: chr14-102298058-G-A.
Other names: c.-215G>A (NM_001352916.2); c.275-24965G>A (NM_001352914.2); c.260-24965G>A (NM_001161726.2); c.187+12636G>A (NM_001161725.2); c.-131-24965G>A (NM_001352915.2); c.94+21685G>A (NM_001352912.1, NM_002719.4, NM_178586.3 and 1 more transcripts).
Identifiers: ClinVar variation 2498598 (VCV002498598.28), dbSNP rs1040789689, ClinGen allele CA267276526.

ClinVar aggregate classification (germline): Likely benign (1 of 4 stars; one submission).

Allele frequency attached by ClinVar (database versions not stated): gnomAD exomes 0.00004; TOPMed 0.00007; gnomAD 0.00009.
gnomAD v4.1: 43 of 697,624 alleles (0.0062%); highest among the groups gnomAD compares: Middle Eastern, 0.023%; no homozygotes.

Submission:

CeGaT Center for Human Genetics Tuebingen
Classification: Likely benign. Last evaluated: 2023-01-01. Review status: criteria provided, single submitter. Criteria: CeGaT Center For Human Genetics Tuebingen Variant Classification Criteria Version 2. Collection method: clinical testing. Allele origin: germline. Affected: yes. Observed: 1 variant allele.
Comment: PPP2R5C: BP4